The following is an entry in ClinVar:

NM_001369.3(DNAH5):c.13266C>G (p.Ile4422Met)

Gene: DNAH5 (dynein axonemal heavy chain 5; minus strand). Cytogenetic location: 5p15.2.
Variant type: single nucleotide variant.
Coding change: c.13266C>G on transcript NM_001369.3 (MANE Select); coding-DNA position 13266, C replaced by G.
Protein change: p.Ile4422Met; replaces isoleucine 4422 with methionine.
Molecular consequence: missense variant.
Genome position (GRCh38, 1-based): chr5:13,708,195, G>C on the plus strand (C>G on the coding strand, the complement: DNAH5 is on the minus strand). VCF-style: chr5-13708195-G-C. GRCh37 (hg19) VCF-style: chr5-13708304-G-C.
Other names: short protein forms I4422M.
Identifiers: ClinVar variation 575980 (VCV000575980.13), dbSNP rs1561084758, ClinGen allele CA359196882.

ClinVar aggregate classification (germline): Uncertain significance. Review status: criteria provided, single submitter (1 of 4 stars). 2 submissions from 2 submitters: Uncertain significance (1). 1 of the submissions does not count toward it. Last evaluated 2024-01-02.

Conditions:
Primary ciliary dyskinesia. Also called: Ciliary dyskinesia. Identifiers: Orphanet 244, MedGen C0008780, MONDO:0016575, HP:0012265.

Allele frequency attached by ClinVar (database versions not stated): gnomAD exomes 0.00001.
gnomAD v4.1: 10 of 1,614,192 alleles (0.00062%); highest among the groups gnomAD compares: Non-Finnish European, 0.00076%; no homozygotes.

Submissions (2):

Labcorp Genetics (formerly Invitae), Labcorp
Classification: Uncertain significance for Primary ciliary dyskinesia. Last evaluated: 2024-01-02. Review status: criteria provided, single submitter. Criteria: Invitae Variant Classification Sherloc (09022015). Collection method: clinical testing. Allele origin: germline.
Comment: This sequence change replaces isoleucine, which is neutral and non-polar, with methionine, which is neutral and non-polar, at codon 4422 of the DNAH5 protein (p.Ile4422Met). This variant is not present in population databases (gnomAD no frequency). This variant has not been reported in the literature in individuals affected with DNAH5-related conditions. ClinVar contains an entry for this variant (Variation ID: 575980). Advanced modeling of protein sequence and biophysical properties (such as structural, functional, and spatial information, amino acid conservation, physicochemical variation, residue mobility, and thermodynamic stability) performed at Invitae indicates that this missense variant is not expected to disrupt DNAH5 protein function with a negative predictive value of 95%. In summary, the available evidence is currently insufficient to determine the role of this variant in disease. Therefore, it has been classified as a Variant of Uncertain Significance.

Natera, Inc.
Classification: Uncertain significance for Primary ciliary dyskinesia. Last evaluated: 2020-10-20. Review status: no assertion criteria provided. Collection method: clinical testing. Allele origin: germline. Not counted in ClinVar's aggregate classification.